The following is an entry in ClinVar:

ClinVar aggregate classification (germline): Pathogenic (1 of 4 stars; one submission).

Conditions:
Hereditary cancer-predisposing syndrome. Also called: Neoplastic Syndromes, Hereditary; Tumor predisposition; Hereditary Cancer Syndrome; Hereditary neoplastic syndrome. Identifiers: Orphanet 140162, MedGen C0027672, MeSH D009386, MONDO:0015356.

Submission:

Ambry Genetics
Classification: Pathogenic for Hereditary cancer-predisposing syndrome. Last evaluated: 2021-04-23. Review status: criteria provided, single submitter. Criteria: Ambry Variant Classification Scheme 2023. Collection method: clinical testing. Allele origin: germline.
Comment: The c.1896dupA pathogenic mutation, located in coding exon 11 of the PMS2 gene, results from a duplication of A at nucleotide position 1896, causing a translational frameshift with a predicted alternate stop codon (p.H633Tfs*3). This alteration is expected to result in loss of function by premature protein truncation or nonsense-mediated mRNA decay. As such, this alteration is interpreted as a disease-causing mutation.

NM_000535.7(PMS2):c.1896dup (p.His633fs)

Gene: PMS2 (PMS1 homolog 2, mismatch repair system component; minus strand). Cytogenetic location: 7p22.1.
Variant type: Duplication.
Coding change: c.1896dup on transcript NM_000535.7 (MANE Select); coding-DNA position 1896, one base duplicated (A; older notation c.1896dupA).
Protein change: p.His633fs; shifts the reading frame from histidine 633.
Molecular consequence: frameshift variant. On other transcripts: non-coding transcript variant (1).
Genome position (GRCh38, 1-based): chr7:5,986,869, T duplicated on the plus strand (A on the coding strand, the reverse complement: PMS2 is on the minus strand). VCF-style (leftmost placement, unchanged base first): chr7-5986868-G-GT. GRCh37 (hg19) VCF-style: chr7-6026499-G-GT.
Other names: c.1491dup, p.His498Thrfs (NM_001018040.1, NM_001406887.1, NM_001406888.1 and 13 more transcripts); c.1491dup, p.His498fs (NM_001322003.2, NM_001322004.2, NM_001322005.2 and 1 more transcripts); c.1740dup, p.His581fs (NM_001322006.2); c.1578dup, p.His527fs (NM_001322007.2, NM_001322008.2); c.1335dup, p.His446fs (NM_001322010.2); c.963dup, p.His322fs (NM_001322011.2, NM_001322012.2); c.1323dup, p.His442fs (NM_001322013.2); c.1896dup, p.His633fs (NM_001322014.2); and 20 more; short protein forms H442fs, H322fs, H498fs, H633fs, H446fs, H530fs, H581fs, H527fs.
Identifiers: ClinVar variation 1782156 (VCV001782156.2), dbSNP rs2535716936, ClinGen allele CA2580076866.
Genomic context (GRCh38, chr7:5,986,868, plus strand): 5'-AAATCTTTGCCCTAAACTTCCTGTAATTCTGTTCCCCTTCACTTTGCTGTGCTTCATGAT[G>GT]TAACTGCTTTATTCGTTTAGCTAAAGAACTCATAGAAAAGTCCAGGGGCACAACTTTCTT-3'